The following is an entry in ClinVar:

ClinVar aggregate classification (germline): Benign/Likely benign. Review status: criteria provided, multiple submitters, no conflicts (2 of 4 stars). 4 submissions from 4 submitters: Benign (2); Likely benign (2). Last evaluated 2025-12-02.

Conditions:
ARPC1B-related disorder. Also called: ARPC1B-related condition.

Allele frequency attached by ClinVar (database versions not stated): gnomAD 0.00004 and 0.00007; TOPMed 0.00012; gnomAD exomes 0.00013 and 0.00024; ExAC 0.00021; 1000 Genomes Project 30x 0.00031; 1000 Genomes Project 0.00040.
gnomAD v4.1: 183 of 1,550,142 alleles (0.012%); highest among the groups gnomAD compares: East Asian, 0.43%; no homozygotes.

Submissions (4):

Labcorp Genetics (formerly Invitae), Labcorp
Classification: Benign. Last evaluated: 2025-12-02. Review status: criteria provided, single submitter. Criteria: Invitae Variant Classification Sherloc (09022015). Collection method: clinical testing. Allele origin: germline.

PreventionGenetics, part of Exact Sciences
Classification: Likely benign for ARPC1B-related condition. Last evaluated: 2025-11-13. Review status: criteria provided, single submitter. Criteria: ACMG Guidelines, 2015. Collection method: clinical testing. Allele origin: germline.
Comment: This variant is classified as likely benign based on ACMG/AMP sequence variant interpretation guidelines (Richards et al. 2015 PMID: 25741868, with internal and published modifications).

Mayo Clinic Laboratories, Mayo Clinic
Classification: Likely benign. Last evaluated: 2025-03-14. Review status: criteria provided, single submitter. Criteria: ACMG Guidelines, 2015. Collection method: clinical testing. Allele origin: germline. Observed: 1 variant allele.
Comment: BP4, BP7

Breakthrough Genomics
Classification: Benign. Review status: criteria provided, single submitter. Criteria: ACMG Guidelines, 2015. Collection method: not provided. Allele origin: germline. Inheritance: Autosomal recessive inheritance. Affected: yes.

NM_005720.4(ARPC1B):c.912C>T (p.Asn304=)

Gene: ARPC1B (actin related protein 2/3 complex subunit 1B; plus strand). Cytogenetic location: 7q22.1.
Variant type: single nucleotide variant.
Coding change: c.912C>T on transcript NM_005720.4 (MANE Select); coding-DNA position 912, C replaced by T.
Protein change: p.Asn304=; no amino-acid change (asparagine 304 retained).
Molecular consequence: synonymous variant.
Genome position (GRCh38, 1-based): chr7:99,392,799, C>T. VCF-style: chr7-99392799-C-T. GRCh37 (hg19) VCF-style: chr7-98990422-C-T.
Other names: p.Asn304=; c.912C>T (NM_005720.3).
Identifiers: ClinVar variation 1666020 (VCV001666020.12), dbSNP rs538586348, ClinGen allele CA4364157.
Genomic context (GRCh38, chr7:99,392,799, plus strand): 5'-GCTGGACGTTCCTAAGCAGAGCTCGCAGCGTGGCTTGACGGCCCGCGAGCGCTTCCAGAA[C>T]CTGGACAAGAAGGCGAGCTCCGAGGGTGGCACGGCTGCGGGCGCGGGCCTAGACTCGCTG-3'
Protein context (NP_005711.1, residues 294-314): RGLTARERFQ[Asn304=]LDKKASSEGG